The following is an entry in ClinVar:

NM_032545.4(CFC1):c.523G>A (p.Ala175Thr)

Gene: CFC1 (cryptic, EGF-CFC family member 1; minus strand). Cytogenetic location: 2q21.1.
Variant type: single nucleotide variant.
Coding change: c.523G>A on transcript NM_032545.4 (MANE Select); coding-DNA position 523, G replaced by A.
Protein change: p.Ala175Thr; replaces alanine 175 with threonine.
Molecular consequence: missense variant. On other transcripts: synonymous variant (1).
Genome position (GRCh38, 1-based): chr2:130,593,026, C>T on the plus strand (G>A on the coding strand, the complement: CFC1 is on the minus strand). VCF-style: chr2-130593026-C-T. GRCh37 (hg19) VCF-style: chr2-131350599-C-T.
Other names: c.408G>A, p.Ala136= (NM_001270420.2); c.298G>A, p.Ala100Thr (NM_001270421.2); short protein forms A100T, A175T.
Identifiers: ClinVar variation 3388902 (VCV003388902.14).

ClinVar aggregate classification (germline): Benign (1 of 4 stars; one submission).

Submission:

CeGaT Center for Human Genetics Tuebingen
Classification: Benign. Last evaluated: 2024-10-01. Review status: criteria provided, single submitter. Criteria: CeGaT Center For Human Genetics Tuebingen Variant Classification Criteria Version 2. Collection method: clinical testing. Allele origin: germline. Affected: yes. Observed: 2 variant alleles.
Comment: CFC1: PP2, BP4, BS1, BS2